The following is an entry in ClinVar:

ClinVar aggregate classification (germline): Pathogenic. Review status: criteria provided, multiple submitters, no conflicts (2 of 4 stars). 3 submissions from 3 submitters: Pathogenic (3). Last evaluated 2024-02-13.

Conditions:
Achromatopsia. Also called: Rod monochromatism. Identifiers: Orphanet 49382, MedGen C0152200, MONDO:0018852, HP:0011516.
CNGA3-related disorders.

Submissions (3):

Blueprint Genetics
Classification: Pathogenic for CNGA3-related disorders. Last evaluated: 2024-02-13. Review status: criteria provided, single submitter. Criteria: ACMG Guidelines, 2015. Collection method: clinical testing. Allele origin: germline. Affected: yes. Observed: 1 variant allele.

Labcorp Genetics (formerly Invitae), Labcorp
Classification: Pathogenic. Last evaluated: 2022-03-03. Review status: criteria provided, single submitter. Criteria: Invitae Variant Classification Sherloc (09022015). Collection method: clinical testing. Allele origin: germline.
Comment: ClinVar contains an entry for this variant (Variation ID: 813039). For these reasons, this variant has been classified as Pathogenic. This variant has not been reported in the literature in individuals affected with CNGA3-related conditions. This variant is not present in population databases (gnomAD no frequency). This sequence change creates a premature translational stop signal (p.Leu167Cysfs*6) in the CNGA3 gene. It is expected to result in an absent or disrupted protein product. Loss-of-function variants in CNGA3 are known to be pathogenic (PMID: 14757870, 24903488, 25637600).

Molecular Genetics Laboratory, Institute for Ophthalmic Research
Classification: Pathogenic for Achromatopsia. Last evaluated: 2020-01-09. Review status: criteria provided, single submitter. Criteria: ACMG Guidelines, 2015. Collection method: research. Allele origin: germline. Affected: yes.

Literature cited by the submitters: PubMed 14757870 (cited by Labcorp Genetics (formerly Invitae), Labcorp); PubMed 24903488 (cited by Labcorp Genetics (formerly Invitae), Labcorp); PubMed 25637600 (cited by Labcorp Genetics (formerly Invitae), Labcorp).

NM_001298.3(CNGA3):c.499del (p.Leu167fs)

Gene: CNGA3 (cyclic nucleotide gated channel subunit alpha 3; plus strand). Cytogenetic location: 2q11.2.
Variant type: Deletion.
Coding change: c.499del on transcript NM_001298.3 (MANE Select); coding-DNA position 499, one base deleted (C; older notation c.499delC).
Protein change: p.Leu167fs; shifts the reading frame from leucine 167.
Molecular consequence: frameshift variant.
Genome position (GRCh38, 1-based): chr2:98,389,707, C deleted; the last of 2 consecutive C bases (chr2:98,389,706-98,389,707); deleting either gives the same sequence. VCF-style (leftmost placement, unchanged base first): chr2-98389705-AC-A. GRCh37 (hg19) VCF-style: chr2-99006168-AC-A.
Other names: c.445del, p.Leu149fs (NM_001079878.2); short protein forms L149fs, L167fs.
Identifiers: ClinVar variation 813039 (VCV000813039.7), dbSNP rs1692739030, ClinGen allele CA1139657166.